The following is an entry in ClinVar:

ClinVar aggregate classification (germline): Likely pathogenic. Review status: criteria provided, single submitter (1 of 4 stars). 2 submissions from 2 submitters: Likely pathogenic (1). 1 of the submissions does not count toward it. Last evaluated 2023-09-12.

Conditions:
Congenital generalized lipodystrophy type 1 (CGL1). Also called: Berardinelli-Seip Congenital Lipodystrophy Type 1; BRUNZELL SYNDROME, AGPAT2-RELATED. Identifiers: Orphanet 528, Orphanet 696189, MedGen C1720862, MONDO:0012071, OMIM 608594.

Allele frequency attached by ClinVar (database versions not stated): gnomAD exomes below 0.00001 and 0.00002.
gnomAD v4.1: 26 of 1,613,068 alleles (0.0016%); highest among the groups gnomAD compares: Admixed American, 0.0033%; no homozygotes.

Submissions (2):

GeneDx
Classification: Likely pathogenic. Last evaluated: 2023-09-12. Review status: criteria provided, single submitter. Criteria: GeneDx Variant Classification Process June 2021. Collection method: clinical testing. Allele origin: germline. Affected: yes.
Comment: Not observed at significant frequency in large population cohorts (gnomAD); In silico analysis supports that this missense variant has a deleterious effect on protein structure/function; This variant is associated with the following publications: (PMID: 19026526, 21744063, 32924125, 18640396)

GeneReviews
No classification provided. Condition: Congenital generalized lipodystrophy type 1. Review status: no classification provided. Collection method: literature only. Allele origin: germline. Affected: yes. Not counted in ClinVar's aggregate classification.

Literature cited by the submitters: NCBI Bookshelf NBK1212 (cited by GeneReviews).

NM_006412.4(AGPAT2):c.335C>T (p.Pro112Leu)

Gene: AGPAT2 (1-acylglycerol-3-phosphate O-acyltransferase 2; minus strand). Cytogenetic location: 9q34.3.
Variant type: single nucleotide variant.
Coding change: c.335C>T on transcript NM_006412.4 (MANE Select); coding-DNA position 335, C replaced by T.
Protein change: p.Pro112Leu; replaces proline 112 with leucine.
Molecular consequence: missense variant.
Genome position (GRCh38, 1-based): chr9:136,677,118, G>A on the plus strand (C>T on the coding strand, the complement: AGPAT2 is on the minus strand). VCF-style: chr9-136677118-G-A. GRCh37 (hg19) VCF-style: chr9-139571570-G-A.
Other names: c.335C>T, p.Pro112Leu (NM_001012727.2); short protein forms P112L.
Identifiers: ClinVar variation 365928 (VCV000365928.8), dbSNP rs886063722, ClinGen allele CA10633299.
Genomic context (GRCh38, chr9:136,677,118, plus strand): 5'-ATGAGGCCCACGGGCCCCAGGAAGAGCAGCTCCCGCTTGGCGATCTGCACGCAGCGCTCC[G>A]GAAGGACCTCCATGAGGCCTGGGAGACAGAGAGACAGAGACAGAGAGAGAGGGGGAGACA-3'
Protein context (NP_006403.2, residues 102-122): LDMMGLMEVL[Pro112Leu]ERCVQIAKRE